The following is an entry in ClinVar:

ClinVar aggregate classification (germline): Uncertain significance (1 of 4 stars; one submission).

Conditions:
Lysinuric protein intolerance (LPI). Identifiers: Orphanet 470, MedGen C0268647, MONDO:0009109, OMIM 222700.

Submission:

Labcorp Genetics (formerly Invitae), Labcorp
Classification: Uncertain significance for Lysinuric protein intolerance. Last evaluated: 2022-07-03. Review status: criteria provided, single submitter. Criteria: Invitae Variant Classification Sherloc (09022015). Collection method: clinical testing. Allele origin: germline.
Comment: Algorithms developed to predict the effect of missense changes on protein structure and function are either unavailable or do not agree on the potential impact of this missense change (SIFT: "Tolerated"; PolyPhen-2: "Probably Damaging"; Align-GVGD: "Class C0"). In summary, the available evidence is currently insufficient to determine the role of this variant in disease. Therefore, it has been classified as a Variant of Uncertain Significance. This variant has not been reported in the literature in individuals affected with SLC7A7-related conditions. This variant is not present in population databases (gnomAD no frequency). This sequence change replaces histidine, which is basic and polar, with tyrosine, which is neutral and polar, at codon 343 of the SLC7A7 protein (p.His343Tyr).

NM_003982.4(SLC7A7):c.1027C>T (p.His343Tyr)

Gene: SLC7A7 (solute carrier family 7 member 7; minus strand). Cytogenetic location: 14q11.2.
Variant type: single nucleotide variant.
Coding change: c.1027C>T on transcript NM_003982.4 (MANE Select); coding-DNA position 1027, C replaced by T.
Protein change: p.His343Tyr; replaces histidine 343 with tyrosine.
Molecular consequence: missense variant.
Genome position (GRCh38, 1-based): chr14:22,775,512, G>A on the plus strand (C>T on the coding strand, the complement: SLC7A7 is on the minus strand). VCF-style: chr14-22775512-G-A. GRCh37 (hg19) VCF-style: chr14-23244721-G-A.
Other names: c.1027C>T, p.His343Tyr (NM_001126105.3, NM_001126106.4); short protein forms H343Y.
Identifiers: ClinVar variation 2161480 (VCV002161480.4), dbSNP rs2501842218, ClinGen allele CA388923121.